The following is an entry in ClinVar:

NM_033109.5(PNPT1):c.1141C>T (p.His381Tyr)

Gene: PNPT1 (polyribonucleotide nucleotidyltransferase 1; minus strand). Cytogenetic location: 2p16.1.
Variant type: single nucleotide variant.
Coding change: c.1141C>T on transcript NM_033109.5 (MANE Select); coding-DNA position 1141, C replaced by T.
Protein change: p.His381Tyr; replaces histidine 381 with tyrosine.
Molecular consequence: missense variant.
Genome position (GRCh38, 1-based): chr2:55,667,026, G>A on the plus strand (C>T on the coding strand, the complement: PNPT1 is on the minus strand). VCF-style: chr2-55667026-G-A. GRCh37 (hg19) VCF-style: chr2-55894161-G-A.
Other names: c.1141C>T (NM_033109.4); short protein forms H381Y.
Identifiers: ClinVar variation 2663494 (VCV002663494.1), dbSNP rs267599414, ClinGen allele CA47661909.

ClinVar aggregate classification (germline): Uncertain significance (1 of 4 stars; one submission).

gnomAD v4.1: 2 of 1,605,622 alleles (0.00012%); highest among the groups gnomAD compares: East Asian, 0.0022%; no homozygotes.

Submission:

GeneDx
Classification: Uncertain significance. Last evaluated: 2023-04-27. Review status: criteria provided, single submitter. Criteria: GeneDx Variant Classification Process June 2021. Collection method: clinical testing. Allele origin: germline. Affected: yes.
Comment: Not observed at significant frequency in large population cohorts (gnomAD); In silico analysis supports that this missense variant has a deleterious effect on protein structure/function; Has not been previously published as pathogenic or benign to our knowledge